The following is an entry in ClinVar:

ClinVar aggregate classification (germline): Uncertain significance (1 of 4 stars; one submission).

Conditions:
Hereditary cancer-predisposing syndrome. Also called: Neoplastic Syndromes, Hereditary; Hereditary Cancer Syndrome; Hereditary neoplastic syndrome; Tumor predisposition. Identifiers: Orphanet 140162, MedGen C0027672, MeSH D009386, MONDO:0015356.

Submission:

Ambry Genetics
Classification: Uncertain significance for Hereditary cancer-predisposing syndrome. Last evaluated: 2023-04-28. Review status: criteria provided, single submitter. Criteria: Ambry Variant Classification Scheme 2023. Collection method: clinical testing. Allele origin: germline.
Comment: The p.T9P variant (also known as c.25A>C), located in coding exon 1 of the MEN1 gene, results from an A to C substitution at nucleotide position 25. The threonine at codon 9 is replaced by proline, an amino acid with highly similar properties. This amino acid position is conserved. In addition, the in silico prediction for this alteration is inconclusive. Since supporting evidence is limited at this time, the clinical significance of this alteration remains unclear.

NM_001370259.2(MEN1):c.25A>C (p.Thr9Pro)

Gene: MEN1 (menin 1; minus strand). Cytogenetic location: 11q13.1.
Variant type: single nucleotide variant.
Coding change: c.25A>C on transcript NM_001370259.2 (MANE Select); coding-DNA position 25, A replaced by C.
Protein change: p.Thr9Pro; replaces threonine 9 with proline.
Molecular consequence: missense variant. On other transcripts: non-coding transcript variant (4).
Genome position (GRCh38, 1-based): chr11:64,810,085, T>G on the plus strand (A>C on the coding strand, the complement: MEN1 is on the minus strand). VCF-style: chr11-64810085-T-G. GRCh37 (hg19) VCF-style: chr11-64577557-T-G.
Other names: c.25A>C, p.Thr9Pro (NM_000244.4, NM_001370251.2, NM_001370260.2 and 20 more transcripts); short protein forms T9P.
Identifiers: ClinVar variation 2564979 (VCV002564979.2), dbSNP rs1489754478, ClinGen allele CA381188269.